The following is an entry in ClinVar:

ClinVar aggregate classification (germline): Uncertain significance. Review status: criteria provided, multiple submitters, no conflicts (2 of 4 stars). 3 submissions from 3 submitters: Uncertain significance (2). 1 of the submissions does not count toward it. Last evaluated 2022-05-10.

Conditions:
Mucopolysaccharidosis, MPS-III-A (MPS3A). Also called: Mucopolysaccharidosis, type IIIA; MPS IIIA (Sanfilippo Syndrome Type A); MPS III A; SANFILIPPO SYNDROME A; SULFAMIDASE DEFICIENCY; Mucopolysaccharidosis type IIIA (Sanfilippo A). Identifiers: Orphanet 581, Orphanet 79269, MedGen C0086647, MONDO:0009655, OMIM 252900.

Submissions (3):

Labcorp Genetics (formerly Invitae), Labcorp
Classification: Uncertain significance for Mucopolysaccharidosis, MPS-III-A. Last evaluated: 2022-05-10. Review status: criteria provided, single submitter. Criteria: Invitae Variant Classification Sherloc (09022015). Collection method: clinical testing. Allele origin: germline.
Comment: This sequence change creates a premature translational stop signal (p.Asp484Argfs*18) in the SGSH gene. While this is not anticipated to result in nonsense mediated decay, it is expected to disrupt the last 19 amino acid(s) of the SGSH protein. This variant is not present in population databases (gnomAD no frequency). This variant has not been reported in the literature in individuals affected with SGSH-related conditions. ClinVar contains an entry for this variant (Variation ID: 558220). This variant disrupts the C-terminus of the SGSH protein. Other variant(s) that disrupt this region (p.Glu489*, p.Gln496*) have been observed in individuals with SGSH-related conditions (PMID: 21204211, 32036093). This suggests that this may be a clinically significant region of the protein. In summary, the available evidence is currently insufficient to determine the role of this variant in disease. Therefore, it has been classified as a Variant of Uncertain Significance.

Genome-Nilou Lab
Classification: Uncertain significance for Mucopolysaccharidosis, MPS-III-A. Last evaluated: 2021-11-07. Review status: criteria provided, single submitter. Criteria: ACMG Guidelines, 2015. Collection method: clinical testing. Allele origin: germline. Affected: no.

Counsyl
Classification: Uncertain significance for Mucopolysaccharidosis, MPS-III-A. Last evaluated: 2018-05-14. Review status: no assertion criteria provided. Collection method: clinical testing. Allele origin: unknown. Not counted in ClinVar's aggregate classification.

Literature cited by the submitters: PubMed 21204211 (cited by Labcorp Genetics (formerly Invitae), Labcorp); PubMed 32036093 (cited by Labcorp Genetics (formerly Invitae), Labcorp).

NM_000199.5(SGSH):c.1445_1446insT (p.Asp484fs)

Gene: SGSH (N-sulfoglucosamine sulfohydrolase; minus strand). Cytogenetic location: 17q25.3.
Variant type: Insertion.
Coding change: c.1445_1446insT on transcript NM_000199.5 (MANE Select); coding-DNA positions 1445 to 1446, T inserted.
Protein change: p.Asp484fs; shifts the reading frame from aspartic acid 484.
Molecular consequence: frameshift variant. On other transcripts: 3 prime UTR variant (2), non-coding transcript variant (1).
Genome position: GRCh38 VCF-style: chr17-80210515-G-GA. GRCh37 (hg19) VCF-style: chr17-78184314-G-GA.
Other names: c.*532_*533insT (NM_001352921.3); c.*495_*496insT (NM_001352922.2); short protein forms D484fs.
Identifiers: ClinVar variation 558220 (VCV000558220.6), dbSNP rs1555620043, ClinGen allele CA658824971.